The following is an entry in ClinVar:

NM_000340.2(SLC2A2):c.1375-11T>C

Gene: SLC2A2 (solute carrier family 2 member 2; minus strand). Cytogenetic location: 3q26.2.
Variant type: single nucleotide variant.
Coding change: c.1375-11T>C on transcript NM_000340.2 (MANE Select); 11 bases into the intron before coding-DNA position 1375, T replaced by C.
Molecular consequence: intron variant.
Genome position (GRCh38, 1-based): chr3:170,998,114, A>G on the plus strand (T>C on the coding strand, the complement: SLC2A2 is on the minus strand). VCF-style: chr3-170998114-A-G. GRCh37 (hg19) VCF-style: chr3-170715903-A-G.
Other names: c.1018-11T>C (NM_001278658.2); c.856-11T>C (NM_001278659.2).
Identifiers: ClinVar variation 3728021 (VCV003728021.2).

ClinVar aggregate classification (germline): Uncertain significance (1 of 4 stars; one submission).

Conditions:
Fanconi-Bickel syndrome (FBS). Also called: Glycogen storage disease due to GLUT2 deficiency; FANCONI SYNDROME WITH INTESTINAL MALABSORPTION AND GALACTOSE INTOLERANCE; HEPATIC GLYCOGENOSIS WITH AMINO ACIDURIA AND GLUCOSURIA; HEPATIC GLYCOGENOSIS WITH FANCONI NEPHROPATHY; HEPATORENAL GLYCOGENOSIS WITH RENAL FANCONI SYNDROME; PSEUDO-PHLORIZIN DIABETES. Identifiers: Orphanet 2088, MedGen C3495427, MONDO:0009216, OMIM 227810.

gnomAD v4.1: 6 of 1,613,582 alleles (0.00037%); highest among the groups gnomAD compares: Non-Finnish European, 0.00051%; no homozygotes.

Submission:

Labcorp Genetics (formerly Invitae), Labcorp
Classification: Uncertain significance for Fanconi-Bickel syndrome. Last evaluated: 2025-01-02. Review status: criteria provided, single submitter. Criteria: Invitae Variant Classification Sherloc (09022015). Collection method: clinical testing. Allele origin: germline.
Comment: This sequence change falls in intron 10 of the SLC2A2 gene. It does not directly change the encoded amino acid sequence of the SLC2A2 protein. This variant is present in population databases (rs753829919, gnomAD 0.0009%). This variant has not been reported in the literature in individuals affected with SLC2A2-related conditions. Algorithms developed to predict the effect of sequence changes on RNA splicing suggest that this variant may disrupt the consensus splice site. In summary, the available evidence is currently insufficient to determine the role of this variant in disease. Therefore, it has been classified as a Variant of Uncertain Significance.